The following is an entry in ClinVar:

ClinVar aggregate classification (germline): Uncertain significance (1 of 4 stars; one submission).

Allele frequency attached by ClinVar (database versions not stated): gnomAD exomes below 0.00001.
gnomAD v4.1: 1 of 1,614,192 alleles (0.000062%); highest among the groups gnomAD compares: Non-Finnish European, 0.000085%; no homozygotes.

Submission:

Labcorp Genetics (formerly Invitae), Labcorp
Classification: Uncertain significance. Last evaluated: 2021-11-14. Review status: criteria provided, single submitter. Criteria: Invitae Variant Classification Sherloc (09022015). Collection method: clinical testing. Allele origin: germline.
Comment: This sequence change replaces tyrosine, which is neutral and polar, with histidine, which is basic and polar, at codon 1460 of the ADCY10 protein (p.Tyr1460His). This variant is not present in population databases (gnomAD no frequency). This variant has not been reported in the literature in individuals affected with ADCY10-related conditions. Algorithms developed to predict the effect of missense changes on protein structure and function (SIFT, PolyPhen-2, Align-GVGD) all suggest that this variant is likely to be tolerated. In summary, the available evidence is currently insufficient to determine the role of this variant in disease. Therefore, it has been classified as a Variant of Uncertain Significance.

NM_018417.6(ADCY10):c.4378T>C (p.Tyr1460His)

Gene: ADCY10 (adenylate cyclase 10; minus strand). Cytogenetic location: 1q24.2.
Variant type: single nucleotide variant.
Coding change: c.4378T>C on transcript NM_018417.6 (MANE Select); coding-DNA position 4378, T replaced by C.
Protein change: p.Tyr1460His; replaces tyrosine 1460 with histidine.
Molecular consequence: missense variant.
Genome position (GRCh38, 1-based): chr1:167,818,176, A>G on the plus strand (T>C on the coding strand, the complement: ADCY10 is on the minus strand). VCF-style: chr1-167818176-A-G. GRCh37 (hg19) VCF-style: chr1-167787414-A-G.
Other names: c.3919T>C, p.Tyr1307His (NM_001167749.3); c.4102T>C, p.Tyr1368His (NM_001297772.2); short protein forms Y1368H, Y1307H, Y1460H.
Identifiers: ClinVar variation 1470673 (VCV001470673.6), dbSNP rs2101843895, ClinGen allele CA343095102.